The following is an entry in ClinVar:

ClinVar aggregate classification (germline): Uncertain significance (1 of 4 stars; one submission).

Conditions:
Fanconi anemia (FA). Also called: Fanconi's anemia. Identifiers: Orphanet 84, MedGen C0015625, MeSH D005199, MONDO:0019391.

Allele frequency attached by ClinVar (database versions not stated): TOPMed below 0.00001; ExAC 0.00001.
gnomAD v4.1: 16 of 1,611,650 alleles (0.00099%); highest among the groups gnomAD compares: Non-Finnish European, 0.0014%; no homozygotes.

Submission:

Labcorp Genetics (formerly Invitae), Labcorp
Classification: Uncertain significance for Fanconi anemia. Last evaluated: 2024-03-04. Review status: criteria provided, single submitter. Criteria: Invitae Variant Classification Sherloc (09022015). Collection method: clinical testing. Allele origin: germline.
Comment: This sequence change replaces glycine, which is neutral and non-polar, with cysteine, which is neutral and slightly polar, at codon 1494 of the FANCM protein (p.Gly1494Cys). This variant is present in population databases (rs772085199, gnomAD 0.0009%). This variant has not been reported in the literature in individuals affected with FANCM-related conditions. ClinVar contains an entry for this variant (Variation ID: 950495). An algorithm developed to predict the effect of missense changes on protein structure and function (PolyPhen-2) suggests that this variant is likely to be disruptive. In summary, the available evidence is currently insufficient to determine the role of this variant in disease. Therefore, it has been classified as a Variant of Uncertain Significance.

NM_020937.4(FANCM):c.4480G>T (p.Gly1494Cys)

Gene: FANCM (FA complementation group M; plus strand). Cytogenetic location: 14q21.2.
Variant type: single nucleotide variant.
Coding change: c.4480G>T on transcript NM_020937.4 (MANE Select); coding-DNA position 4480, G replaced by T.
Protein change: p.Gly1494Cys; replaces glycine 1494 with cysteine.
Molecular consequence: missense variant.
Genome position (GRCh38, 1-based): chr14:45,183,867, G>T. VCF-style: chr14-45183867-G-T. GRCh37 (hg19) VCF-style: chr14-45653070-G-T.
Other names: c.4402G>T, p.Gly1468Cys (NM_001308133.2); short protein forms G1468C, G1494C.
Identifiers: ClinVar variation 950495 (VCV000950495.9), dbSNP rs772085199, ClinGen allele CA7169758.
Genomic context (GRCh38, chr14:45,183,867, plus strand): 5'-TTTCCCAAACCATGTTCACAATTAGAAGACTTCAAGGTTTGTAACGGGAATGCCAGAAGA[G>T]GCATCAAAGTCCCAAAGAGACAGAGTCACTTAAAGGTAATCTTTTTTTTAGTTTCTTTAA-3'
Protein context (NP_065988.1, residues 1484-1504): FKVCNGNARR[Gly1494Cys]IKVPKRQSHL